The following is an entry in ClinVar:

NM_001035.3(RYR2):c.11565G>A (p.Gln3855=)

Gene: RYR2 (ryanodine receptor 2; plus strand). Cytogenetic location: 1q43.
Variant type: single nucleotide variant.
Coding change: c.11565G>A on transcript NM_001035.3 (MANE Select); coding-DNA position 11565, G replaced by A.
Protein change: p.Gln3855=; no amino-acid change (glutamine 3855 retained).
Molecular consequence: synonymous variant.
Genome position (GRCh38, 1-based): chr1:237,772,019, G>A. VCF-style: chr1-237772019-G-A. GRCh37 (hg19) VCF-style: chr1-237935319-G-A.
Identifiers: ClinVar variation 919646 (VCV000919646.3), dbSNP rs763196179, ClinGen allele CA39816650.

ClinVar aggregate classification (germline): Likely benign. Review status: criteria provided, multiple submitters, no conflicts (2 of 4 stars). 2 submissions from 2 submitters: Likely benign (2). Last evaluated 2023-04-27.

Conditions:
Catecholaminergic polymorphic ventricular tachycardia (CVPT). Also called: Catecholamine-induced polymorphic ventricular tachycardia. Identifiers: Orphanet 3286, MedGen C5574922, MONDO:0017990.
Cardiomyopathy (CMYO). Also called: Cardiomyopathies. Identifiers: Orphanet 167848, MedGen C0878544, MONDO:0004994, HP:0001638. Inheritance: Various modes of inheritance.

Allele frequency attached by ClinVar (database versions not stated): gnomAD exomes below 0.00001; TOPMed below 0.00001; gnomAD 0.00001.
gnomAD v4.1: 7 of 1,523,114 alleles (0.00046%); highest among the groups gnomAD compares: Non-Finnish European, 0.00063%; no homozygotes.

Submissions (2):

All of Us Research Program, National Institutes of Health
Classification: Likely benign for Catecholaminergic polymorphic ventricular tachycardia. Last evaluated: 2023-04-27. Review status: criteria provided, single submitter. Criteria: ACMG Guidelines, 2015. Collection method: clinical testing. Allele origin: germline. Inheritance: Autosomal dominant inheritance. Observed: 1 variant allele, 1 heterozygote.
Comment: This study involves interpretation of variants in research participants for the purpose of population health screening. Participant phenotype was not available at the time of variant classification. Additional details can be found in publication PMID: 35346344, PMCID: PMC8962531

Color Diagnostics, LLC DBA Color Health
Classification: Likely benign for Cardiomyopathy. Last evaluated: 2018-11-14. Review status: criteria provided, single submitter. Criteria: ACMG Guidelines, 2015. Collection method: clinical testing. Allele origin: germline.